The following is an entry in ClinVar:

ClinVar aggregate classification (germline): Uncertain significance (1 of 4 stars; one submission).

Conditions:
Nemaline myopathy 2 (NEM2). Also called: Nemaline myopathy 2, autosomal recessive. Identifiers: MedGen C1850569, MONDO:0009725, OMIM 256030.

Submission:

Labcorp Genetics (formerly Invitae), Labcorp
Classification: Uncertain significance for Nemaline myopathy 2. Last evaluated: 2023-06-15. Review status: criteria provided, single submitter. Criteria: Invitae Variant Classification Sherloc (09022015). Collection method: clinical testing. Allele origin: germline.
Comment: In summary, the available evidence is currently insufficient to determine the role of this variant in disease. Therefore, it has been classified as a Variant of Uncertain Significance. Experimental studies and prediction algorithms are not available or were not evaluated, and the functional significance of this variant is currently unknown. ClinVar contains an entry for this variant (Variation ID: 1936671). This variant has not been reported in the literature in individuals affected with NEB-related conditions. This variant is not present in population databases (gnomAD no frequency). This sequence change replaces isoleucine, which is neutral and non-polar, with asparagine, which is neutral and polar, at codon 6000 of the NEB protein (p.Ile6000Asn).

NM_001164508.2(NEB):c.17999T>A (p.Ile6000Asn)

Gene: NEB (nebulin; minus strand). Cytogenetic location: 2q23.3.
Variant type: single nucleotide variant.
Coding change: c.17999T>A on transcript NM_001164508.2 (MANE Select); coding-DNA position 17999, T replaced by A.
Protein change: p.Ile6000Asn; replaces isoleucine 6000 with asparagine.
Molecular consequence: missense variant.
Genome position (GRCh38, 1-based): chr2:151,567,325, A>T on the plus strand (T>A on the coding strand, the complement: NEB is on the minus strand). VCF-style: chr2-151567325-A-T. GRCh37 (hg19) VCF-style: chr2-152423839-A-T.
Other names: c.17999T>A, p.Ile6000Asn (NM_001164507.2, NM_001271208.2); c.12896T>A, p.Ile4299Asn (NM_004543.5); short protein forms I4299N, I6000N.
Identifiers: ClinVar variation 1936671 (VCV001936671.5), dbSNP rs1417666233, ClinGen allele CA348803539.